The following is an entry in ClinVar:

NM_024675.4(PALB2):c.2228A>T (p.Tyr743Phe)

Gene: PALB2 (partner and localizer of BRCA2; minus strand). Cytogenetic location: 16p12.2.
Variant type: single nucleotide variant.
Coding change: c.2228A>T on transcript NM_024675.4 (MANE Select); coding-DNA position 2228, A replaced by T.
Protein change: p.Tyr743Phe; replaces tyrosine 743 with phenylalanine.
Molecular consequence: missense variant.
Genome position (GRCh38, 1-based): chr16:23,629,926, T>A on the plus strand (A>T on the coding strand, the complement: PALB2 is on the minus strand). VCF-style: chr16-23629926-T-A. GRCh37 (hg19) VCF-style: chr16-23641247-T-A.
Other names: short protein forms Y743F.
Identifiers: ClinVar variation 185182 (VCV000185182.17), dbSNP rs141749524, ClinGen allele CA191248.
Genomic context (GRCh38, chr16:23,629,926, plus strand): 5'-AAATGAGCAAGTTGGGGTGTGCAGCAAGTTCGTCCAGCAACTTCTGTAGATGCTTTTTCA[T>A]AGGAGCCTTGAGGGCCAAAGGCTGGAGTAGTACCTAAGATGGGGAAAGCAGGTGAACACA-3'
Protein context (NP_078951.2, residues 733-753): TTPAFGPQGS[Tyr743Phe]EKASTEVAGR

ClinVar aggregate classification (germline): Conflicting classifications of pathogenicity. Review status: criteria provided, conflicting classifications (1 of 4 stars). 2 submissions from 2 submitters: Uncertain significance (1); Likely benign (1). Last evaluated 2025-04-18.

Conditions:
Hereditary cancer-predisposing syndrome. Also called: Hereditary neoplastic syndrome; Neoplastic Syndromes, Hereditary; Tumor predisposition; Hereditary Cancer Syndrome. Identifiers: Orphanet 140162, MedGen C0027672, MeSH D009386, MONDO:0015356.
Familial cancer of breast. Also called: BREAST CANCER, FAMILIAL; Hereditary breast cancer; hereditary breast carcinoma. Identifiers: Orphanet 227535, MedGen C0346153, MONDO:0016419, OMIM 114480. Disease mechanism: loss of function.

Submissions (2):

Ambry Genetics
Classification: Likely benign for Hereditary cancer-predisposing syndrome. Last evaluated: 2025-04-18. Review status: criteria provided, single submitter. Criteria: Ambry Variant Classification Scheme 2023. Collection method: clinical testing. Allele origin: germline.

Labcorp Genetics (formerly Invitae), Labcorp
Classification: Uncertain significance for Familial cancer of breast. Last evaluated: 2024-07-10. Review status: criteria provided, single submitter. Criteria: Invitae Variant Classification Sherloc (09022015). Collection method: clinical testing. Allele origin: germline.
Comment: This sequence change replaces tyrosine, which is neutral and polar, with phenylalanine, which is neutral and non-polar, at codon 743 of the PALB2 protein (p.Tyr743Phe). This variant is not present in population databases (gnomAD no frequency). This variant has not been reported in the literature in individuals affected with PALB2-related conditions. ClinVar contains an entry for this variant (Variation ID: 185182). Advanced modeling of protein sequence and biophysical properties (such as structural, functional, and spatial information, amino acid conservation, physicochemical variation, residue mobility, and thermodynamic stability) performed at Invitae indicates that this missense variant is not expected to disrupt PALB2 protein function with a negative predictive value of 80%. In summary, the available evidence is currently insufficient to determine the role of this variant in disease. Therefore, it has been classified as a Variant of Uncertain Significance.